The following is an entry in ClinVar:

NM_153688.4(ZFP1):c.67G>C (p.Glu23Gln)

Gene: ZFP1 (ZFP1 zinc finger protein; plus strand). Cytogenetic location: 16q23.1.
Variant type: single nucleotide variant.
Coding change: c.67G>C on transcript NM_153688.4 (MANE Select); coding-DNA position 67, G replaced by C.
Protein change: p.Glu23Gln; replaces glutamic acid 23 with glutamine.
Molecular consequence: missense variant. On other transcripts: 5 prime UTR variant (2), intron variant (2).
Genome position (GRCh38, 1-based): chr16:75,166,821, G>C. VCF-style: chr16-75166821-G-C. GRCh37 (hg19) VCF-style: chr16-75200719-G-C.
Other names: c.67G>C, p.Glu23Gln (NM_001318469.2, NM_001318475.2, NM_001318476.2); c.-33G>C (NM_001318471.2, NM_001318472.2); c.-23-2432G>C (NM_001318473.2, NM_001318474.2); short protein forms E23Q.
Identifiers: ClinVar variation 2646869 (VCV002646869.24), dbSNP rs144244672, ClinGen allele CA8172835.

ClinVar aggregate classification (germline): Likely benign (1 of 4 stars; one submission).

Allele frequency attached by ClinVar (database versions not stated): 1000 Genomes Project 30x 0.00156; 1000 Genomes Project 0.00180; gnomAD 0.00247; TOPMed 0.00266; ESP Exome Variant Server 0.00272; gnomAD exomes 0.00329; ExAC 0.00341.
gnomAD v4.1: 5,241 of 1,614,154 alleles (0.32%); highest among the groups gnomAD compares: Middle Eastern, 2.2%; 20 homozygotes.

Submission:

CeGaT Center for Human Genetics Tuebingen
Classification: Likely benign. Last evaluated: 2023-01-01. Review status: criteria provided, single submitter. Criteria: CeGaT Center For Human Genetics Tuebingen Variant Classification Criteria Version 2. Collection method: clinical testing. Allele origin: germline. Affected: yes. Observed: 1 variant allele.
Comment: ZFP1: BP4, BS2